The following is an entry in ClinVar:

NM_004364.5(CEBPA):c.845G>A (p.Ser282Asn)

Gene: CEBPA (CCAAT enhancer binding protein alpha; minus strand). Cytogenetic location: 19q13.11.
Variant type: single nucleotide variant.
Coding change: c.845G>A on transcript NM_004364.5 (MANE Select); coding-DNA position 845, G replaced by A.
Protein change: p.Ser282Asn; replaces serine 282 with asparagine.
Molecular consequence: missense variant.
Genome position (GRCh38, 1-based): chr19:33,301,570, C>T on the plus strand (G>A on the coding strand, the complement: CEBPA is on the minus strand). VCF-style: chr19-33301570-C-T. GRCh37 (hg19) VCF-style: chr19-33792476-C-T.
Other names: c.488G>A, p.Ser163Asn (NM_001285829.2); c.950G>A, p.Ser317Asn (NM_001287424.2); c.803G>A, p.Ser268Asn (NM_001287435.2); short protein forms S163N, S268N, S282N, S317N.
Identifiers: ClinVar variation 3360484 (VCV003360484.2).

ClinVar aggregate classification (germline): Uncertain significance. Review status: criteria provided, multiple submitters, no conflicts (2 of 4 stars). 2 submissions from 2 submitters: Uncertain significance (2). Last evaluated 2025-12-27.

Conditions:
Inborn genetic diseases. Identifiers: MedGen C0950123, MeSH D030342.

Submissions (2):

Ambry Genetics
Classification: Uncertain significance for Inborn genetic diseases. Last evaluated: 2025-12-27. Review status: criteria provided, single submitter. Criteria: Ambry Variant Classification Scheme 2023. Collection method: clinical testing. Allele origin: germline.
Comment: The p.S282N variant (also known as c.845G>A), located in coding exon 1 of the CEBPA gene, results from a G to A substitution at nucleotide position 845. The serine at codon 282 is replaced by asparagine, an amino acid with highly similar properties. This amino acid position is conserved. In addition, this alteration is predicted to be tolerated by in silico analysis. Based on the available evidence, the clinical significance of this variant remains unclear.

GeneDx
Classification: Uncertain significance. Last evaluated: 2023-07-05. Review status: criteria provided, single submitter. Criteria: GeneDx Variant Classification Process June 2021. Collection method: clinical testing. Allele origin: germline. Affected: yes.
Comment: Not observed at significant frequency in large population cohorts (gnomAD); In silico analysis supports that this missense variant has a deleterious effect on protein structure/function; Has not been previously published as pathogenic or benign to our knowledge; This variant is associated with the following publications: (PMID: 21455213)